The following is an entry in ClinVar:

ClinVar aggregate classification (germline): Uncertain significance. Review status: criteria provided, multiple submitters, no conflicts (2 of 4 stars). 2 submissions from 2 submitters: Uncertain significance (2). Last evaluated 2024-09-10.

Conditions:
Wiedemann-Steiner syndrome (WDSTS). Also called: Growth deficiency and mental retardation with facial dysmorphism. Identifiers: Orphanet 319182, MedGen C1854630, MONDO:0011518, OMIM 605130.

Allele frequency attached by ClinVar (database versions not stated): TOPMed below 0.00001; gnomAD 0.00001.
gnomAD v4.1: 4 of 1,614,006 alleles (0.00025%); highest among the groups gnomAD compares: South Asian, 0.0022%; no homozygotes.

Submissions (2):

Labcorp Genetics (formerly Invitae), Labcorp
Classification: Uncertain significance. Last evaluated: 2024-09-10. Review status: criteria provided, single submitter. Criteria: Invitae Variant Classification Sherloc (09022015). Collection method: clinical testing. Allele origin: germline.
Comment: This sequence change replaces asparagine, which is neutral and polar, with serine, which is neutral and polar, at codon 2484 of the KMT2A protein (p.Asn2484Ser). This variant is not present in population databases (gnomAD no frequency). This variant has not been reported in the literature in individuals affected with KMT2A-related conditions. ClinVar contains an entry for this variant (Variation ID: 1031920). Invitae Evidence Modeling of protein sequence and biophysical properties (such as structural, functional, and spatial information, amino acid conservation, physicochemical variation, residue mobility, and thermodynamic stability) indicates that this missense variant is not expected to disrupt KMT2A protein function with a negative predictive value of 95%. In summary, the available evidence is currently insufficient to determine the role of this variant in disease. Therefore, it has been classified as a Variant of Uncertain Significance.

Baylor Genetics
Classification: Uncertain significance for Wiedemann-Steiner syndrome. Last evaluated: 2018-02-14. Review status: criteria provided, single submitter. Criteria: ACMG Guidelines, 2015. Collection method: clinical testing. Allele origin: paternal. Affected: yes.
Comment: This variant was determined to be of uncertain significance according to ACMG Guidelines, 2015 [PMID:25741868].

NM_001197104.2(KMT2A):c.7451A>G (p.Asn2484Ser)

Gene: KMT2A (lysine methyltransferase 2A; plus strand). Cytogenetic location: 11q23.3.
Variant type: single nucleotide variant.
Coding change: c.7451A>G on transcript NM_001197104.2 (MANE Select); coding-DNA position 7451, A replaced by G.
Protein change: p.Asn2484Ser; replaces asparagine 2484 with serine.
Molecular consequence: missense variant.
Genome position (GRCh38, 1-based): chr11:118,503,343, A>G. VCF-style: chr11-118503343-A-G. GRCh37 (hg19) VCF-style: chr11-118374058-A-G.
Other names: c.7442A>G, p.Asn2481Ser (NM_005933.4); short protein forms N2481S, N2484S.
Identifiers: ClinVar variation 1031920 (VCV001031920.5), dbSNP rs782475453, ClinGen allele CA229526839.
Genomic context (GRCh38, chr11:118,503,343, plus strand): 5'-AGCCAGAGTTTATGGATGAGGTTTTGACTCCTGAGTATATGGGCCAACGACCATGTAACA[A>G]TGTTTCTTCTGATAAGATTGGTGATAAAGGCCTTTCTATGCCAGGAGTCCCCAAAGCTCC-3'
Protein context (NP_001184033.1, residues 2474-2494): PEYMGQRPCN[Asn2484Ser]VSSDKIGDKG